The following is an entry in ClinVar:

NM_004733.4(SLC33A1):c.1278C>T (p.Tyr426=)

Gene: SLC33A1 (solute carrier family 33 member 1; minus strand). Cytogenetic location: 3q25.31.
Variant type: single nucleotide variant.
Coding change: c.1278C>T on transcript NM_004733.4 (MANE Select); coding-DNA position 1278, C replaced by T.
Protein change: p.Tyr426=; no amino-acid change (tyrosine 426 retained).
Molecular consequence: synonymous variant.
Genome position (GRCh38, 1-based): chr3:155,829,892, G>A on the plus strand (C>T on the coding strand, the complement: SLC33A1 is on the minus strand). VCF-style: chr3-155829892-G-A. GRCh37 (hg19) VCF-style: chr3-155547681-G-A.
Other names: c.1278C>T, p.Tyr426= (NM_001190992.2); c.972C>T, p.Tyr324= (NM_001363883.1).
Identifiers: ClinVar variation 2719821 (VCV002719821.11), dbSNP rs374910883, ClinGen allele CA2677259.

ClinVar aggregate classification (germline): Likely benign. Review status: criteria provided, multiple submitters, no conflicts (2 of 4 stars). 2 submissions from 2 submitters: Likely benign (2). Last evaluated 2025-06-01.

Conditions:
Spastic paraplegia. Identifiers: MedGen C0037772, HP:0001258.

Allele frequency attached by ClinVar (database versions not stated): ExAC 0.00001; gnomAD 0.00001; gnomAD exomes 0.00001; TOPMed 0.00002; ESP Exome Variant Server 0.00008.
gnomAD v4.1: 18 of 1,606,322 alleles (0.0011%); highest among the groups gnomAD compares: Non-Finnish European, 0.0015%; no homozygotes.

Submissions (2):

CeGaT Center for Human Genetics Tuebingen
Classification: Likely benign. Last evaluated: 2025-06-01. Review status: criteria provided, single submitter. Criteria: CeGaT Center For Human Genetics Tuebingen Variant Classification Criteria Version 2. Collection method: clinical testing. Allele origin: germline. Affected: yes. Observed: 1 variant allele.
Comment: SLC33A1: BP4, BP7

Labcorp Genetics (formerly Invitae), Labcorp
Classification: Likely benign for Spastic paraplegia. Last evaluated: 2024-08-28. Review status: criteria provided, single submitter. Criteria: Invitae Variant Classification Sherloc (09022015). Collection method: clinical testing. Allele origin: germline.